The following is an entry in ClinVar:

NM_024675.4(PALB2):c.2105dup (p.Leu703fs)

Gene: PALB2 (partner and localizer of BRCA2; minus strand). Cytogenetic location: 16p12.2.
Variant type: Duplication.
Coding change: c.2105dup on transcript NM_024675.4 (MANE Select); coding-DNA position 2105, one base duplicated (T; older notation c.2105dupT).
Protein change: p.Leu703fs; shifts the reading frame from leucine 703.
Molecular consequence: frameshift variant.
Genome position (GRCh38, 1-based): chr16:23,630,049, A duplicated on the plus strand (T on the coding strand, the reverse complement: PALB2 is on the minus strand). VCF-style (leftmost placement, unchanged base first): chr16-23630048-T-TA. GRCh37 (hg19) VCF-style: chr16-23641369-T-TA.
Other names: short protein forms L703fs.
Identifiers: ClinVar variation 1074037 (VCV001074037.8), dbSNP rs2142381049, ClinGen allele CA2499223428.

ClinVar aggregate classification (germline): Pathogenic. Review status: criteria provided, multiple submitters, no conflicts (2 of 4 stars). 2 submissions from 2 submitters: Pathogenic (2). Last evaluated 2024-04-08.

Conditions:
Familial cancer of breast. Also called: Hereditary breast cancer; hereditary breast carcinoma; BREAST CANCER, FAMILIAL. Identifiers: Orphanet 227535, MedGen C0346153, MONDO:0016419, OMIM 114480. Disease mechanism: loss of function.

Submissions (2):

Labcorp Genetics (formerly Invitae), Labcorp
Classification: Pathogenic for Familial cancer of breast. Last evaluated: 2024-04-08. Review status: criteria provided, single submitter. Criteria: Invitae Variant Classification Sherloc (09022015). Collection method: clinical testing. Allele origin: germline.
Comment: This sequence change creates a premature translational stop signal (p.Leu703Ilefs*12) in the PALB2 gene. It is expected to result in an absent or disrupted protein product. Loss-of-function variants in PALB2 are known to be pathogenic (PMID: 17200668, 17200671, 17200672, 24136930, 25099575). This variant is not present in population databases (gnomAD no frequency). This variant has not been reported in the literature in individuals affected with PALB2-related conditions. ClinVar contains an entry for this variant (Variation ID: 1074037). For these reasons, this variant has been classified as Pathogenic.

Myriad Genetics, Inc.
Classification: Pathogenic for Familial cancer of breast. Last evaluated: 2023-01-12. Review status: criteria provided, single submitter. Criteria: Myriad Autosomal Dominant, Autosomal Recessive and X-Linked Classification Criteria (2023). Collection method: clinical testing. Allele origin: unknown.
Comment: This variant is considered pathogenic. This variant creates a frameshift predicted to result in premature protein truncation.

Literature cited by the submitters: PubMed 17200668 (cited by Labcorp Genetics (formerly Invitae), Labcorp); PubMed 17200671 (cited by Labcorp Genetics (formerly Invitae), Labcorp); PubMed 17200672 (cited by Labcorp Genetics (formerly Invitae), Labcorp); PubMed 24136930 (cited by Labcorp Genetics (formerly Invitae), Labcorp); PubMed 25099575 (cited by Labcorp Genetics (formerly Invitae), Labcorp).